The following is an entry in ClinVar:

NM_022841.7(RFX7):c.2459_2462del (p.Val820fs)

Gene: RFX7 (regulatory factor X7; minus strand). Cytogenetic location: 15q21.3.
Variant type: Deletion.
Coding change: c.2459_2462del on transcript NM_022841.7 (MANE Select); coding-DNA positions 2459 to 2462, 4 bases deleted (TTTG; older notation c.2459_2462delTTTG).
Protein change: p.Val820fs; shifts the reading frame from valine 820.
Molecular consequence: frameshift variant.
Genome position (GRCh38, 1-based): chr15:56,095,266-56,095,269, CAAA deleted on the plus strand (TTTG on the coding strand, the reverse complement: RFX7 is on the minus strand); deleting any 4 consecutive bases within chr15:56,095,266-56,095,271 gives the same sequence; the c. name uses the placement nearest the transcript's 3' end. VCF-style (leftmost placement, unchanged base first): chr15-56095265-CCAAA-C. GRCh37 (hg19) VCF-style: chr15-56387463-CCAAA-C.
Other names: c.2168_2171del, p.Val723fs (NM_001368073.2, NM_001368074.1, NM_001370554.1); c.2459_2462del, p.Val820fs (NM_001370561.1); short protein forms V723fs, V820fs.
Identifiers: ClinVar variation 2507306 (VCV002507306.3), dbSNP rs749745135, ClinGen allele CA7578128.

ClinVar aggregate classification (germline): Pathogenic/Likely pathogenic. Review status: criteria provided, multiple submitters, no conflicts (2 of 4 stars). 2 submissions from 2 submitters: Pathogenic (1); Likely pathogenic (1). Last evaluated 2024-12-19.

Conditions:
Intellectual developmental disorder, autosomal dominant 71, with behavioral abnormalities (MRD71). Identifiers: MedGen C5830437, MONDO:0957228, OMIM 620330.

Submissions (2):

Genomic Medicine Center of Excellence, King Faisal Specialist Hospital and Research Centre
Classification: Likely pathogenic for Intellectual developmental disorder, autosomal dominant 71, with behavioral abnormalities. Last evaluated: 2024-12-19. Review status: criteria provided, single submitter. Criteria: ACMG Guidelines, 2015. Collection method: clinical testing. Allele origin: germline.

GeneDx
Classification: Pathogenic. Last evaluated: 2024-12-14. Review status: criteria provided, single submitter. Criteria: GeneDx Variant Classification Process June 2021. Collection method: clinical testing. Allele origin: germline. Affected: yes.
Comment: Frameshift variant predicted to result in abnormal protein length as the last 641 amino acids are replaced with 2 different amino acids, and other similar variants have been reported in HGMD; Has not been previously published as pathogenic or benign to our knowledge